The following is an entry in ClinVar:

NM_006231.4(POLE):c.1021-7G>T

Gene: POLE (DNA polymerase epsilon, catalytic subunit; minus strand). Cytogenetic location: 12q24.33.
Variant type: single nucleotide variant.
Coding change: c.1021-7G>T on transcript NM_006231.4 (MANE Select); 7 bases into the intron before coding-DNA position 1021, G replaced by T.
Molecular consequence: intron variant.
Genome position (GRCh38, 1-based): chr12:132,675,827, C>A on the plus strand (G>T on the coding strand, the complement: POLE is on the minus strand). VCF-style: chr12-132675827-C-A. GRCh37 (hg19) VCF-style: chr12-133252413-C-A.
Identifiers: ClinVar variation 3904144 (VCV003904144.1).

ClinVar aggregate classification (germline): Likely benign (1 of 4 stars; one submission).

Conditions:
Colorectal cancer, susceptibility to, 12 (CRCS12). Also called: COLORECTAL CANCER, SUSCEPTIBILITY TO, ON CHROMOSOME 12q24. Identifiers: Orphanet 220460, MedGen C3554460, MONDO:0014038, OMIM 615083.

Submission:

Myriad Genetics, Inc.
Classification: Likely benign for Colorectal cancer, susceptibility to, 12. Last evaluated: 2025-02-10. Review status: criteria provided, single submitter. Criteria: Myriad Autosomal Dominant, Autosomal Recessive and X-Linked Classification Criteria (2023). Collection method: clinical testing. Allele origin: unknown.
Comment: This variant is considered likely benign. This variant is intronic and is not expected to impact mRNA splicing.